The following is an entry in ClinVar:

ClinVar aggregate classification (germline): Uncertain significance. Review status: criteria provided, multiple submitters, no conflicts (2 of 4 stars). 3 submissions from 3 submitters: Uncertain significance (3). Last evaluated 2026-03-06.

Conditions:
SLC2A9-related disorder. Also called: SLC2A9-related condition.
Hypouricemia, renal, 2. Also called: HYPOURICEMIA, RENAL, 2, AUTOSOMAL DOMINANT; HYPOURICEMIA, RENAL, 2, AUTOSOMAL RECESSIVE. Identifiers: MedGen C2677549, MONDO:0012793, OMIM 612076.

Allele frequency attached by ClinVar (database versions not stated): ExAC 0.00006; gnomAD 0.00011; TOPMed 0.00022.
gnomAD v4.1: 81 of 1,613,988 alleles (0.005%); highest among the groups gnomAD compares: Middle Eastern, 0.05%; no homozygotes.

Submissions (3):

PreventionGenetics, part of Exact Sciences
Classification: Uncertain significance for SLC2A9-related condition. Last evaluated: 2026-03-06. Review status: criteria provided, single submitter. Criteria: ACMG Guidelines, 2015. Collection method: clinical testing. Allele origin: germline.
Comment: The SLC2A9 c.1369G>A variant is predicted to result in the amino acid substitution p.Val457Ile. To our knowledge, this variant has not been reported in the literature. This variant is reported in 0.028% of alleles in individuals of Latino descent in gnomAD. At this time, the clinical significance of this variant is uncertain due to the absence of conclusive functional and genetic evidence.

Labcorp Genetics (formerly Invitae), Labcorp
Classification: Uncertain significance. Last evaluated: 2022-02-22. Review status: criteria provided, single submitter. Criteria: Invitae Variant Classification Sherloc (09022015). Collection method: clinical testing. Allele origin: germline.
Comment: This sequence change replaces valine, which is neutral and non-polar, with isoleucine, which is neutral and non-polar, at codon 457 of the SLC2A9 protein (p.Val457Ile). This variant is present in population databases (rs200305429, gnomAD 0.03%). This variant has not been reported in the literature in individuals affected with SLC2A9-related conditions. Algorithms developed to predict the effect of missense changes on protein structure and function output the following: SIFT: "Tolerated"; PolyPhen-2: "Benign"; Align-GVGD: "Class C0". The isoleucine amino acid residue is found in multiple mammalian species, which suggests that this missense change does not adversely affect protein function. In summary, the available evidence is currently insufficient to determine the role of this variant in disease. Therefore, it has been classified as a Variant of Uncertain Significance.

Revvity Omics, Revvity
Classification: Uncertain significance for Hypouricemia, renal, 2. Last evaluated: 2021-02-17. Review status: criteria provided, single submitter. Criteria: ACMG Guidelines, 2015. Collection method: clinical testing. Allele origin: germline.

NM_020041.3(SLC2A9):c.1369G>A (p.Val457Ile)

Gene: SLC2A9 (solute carrier family 2 member 9; minus strand). Cytogenetic location: 4p16.1.
Variant type: single nucleotide variant.
Coding change: c.1369G>A on transcript NM_020041.3 (MANE Select); coding-DNA position 1369, G replaced by A.
Protein change: p.Val457Ile; replaces valine 457 with isoleucine.
Molecular consequence: missense variant.
Genome position (GRCh38, 1-based): chr4:9,834,931, C>T on the plus strand (G>A on the coding strand, the complement: SLC2A9 is on the minus strand). VCF-style: chr4-9834931-C-T. GRCh37 (hg19) VCF-style: chr4-9836555-C-T.
Other names: c.1369G>A (NM_020041.2); c.1282G>A, p.Val428Ile (NM_001001290.2); short protein forms V428I, V457I.
Identifiers: ClinVar variation 2069944 (VCV002069944.5), dbSNP rs200305429, ClinGen allele CA2856879.